The following is an entry in ClinVar:

ClinVar aggregate classification (germline): Likely benign. Review status: criteria provided, single submitter (1 of 4 stars). 2 submissions from 2 submitters: Likely benign (1). 1 of the submissions does not count toward it. Last evaluated 2024-05-20.

Conditions:
LAMA2-related disorder. Also called: LAMA2-related condition; LAMA2-related disorders.
LAMA2-related muscular dystrophy (LAMA2-RD). Also called: Laminin alpha 2-related dystrophy. Identifiers: MedGen C5679788, MONDO:0100228.

Allele frequency attached by ClinVar (database versions not stated): gnomAD exomes below 0.00001 and 0.00002; ExAC 0.00002; TOPMed 0.00003; gnomAD 0.00005.
gnomAD v4.1: 12 of 1,611,904 alleles (0.00074%); highest among the groups gnomAD compares: African/African-American, 0.0067%; no homozygotes.

Submissions (2):

Labcorp Genetics (formerly Invitae), Labcorp
Classification: Likely benign for LAMA2-related muscular dystrophy. Last evaluated: 2024-05-20. Review status: criteria provided, single submitter. Criteria: Invitae Variant Classification Sherloc (09022015). Collection method: clinical testing. Allele origin: germline.

PreventionGenetics, part of Exact Sciences
Classification: Likely benign for LAMA2-related condition. Last evaluated: 2021-03-12. Review status: no assertion criteria provided. Collection method: clinical testing. Allele origin: germline. Not counted in ClinVar's aggregate classification.
Comment: This variant is classified as likely benign based on ACMG/AMP sequence variant interpretation guidelines (Richards et al. 2015 PMID: 25741868, with internal and published modifications).

NM_000426.4(LAMA2):c.6870G>A (p.Lys2290=)

Gene: LAMA2 (laminin subunit alpha 2; plus strand). Cytogenetic location: 6q22.33.
Variant type: single nucleotide variant.
Coding change: c.6870G>A on transcript NM_000426.4 (MANE Select); coding-DNA position 6870, G replaced by A.
Protein change: p.Lys2290=; no amino-acid change (lysine 2290 retained).
Molecular consequence: synonymous variant.
Genome position (GRCh38, 1-based): chr6:129,460,202, G>A. VCF-style: chr6-129460202-G-A. GRCh37 (hg19) VCF-style: chr6-129781347-G-A.
Other names: c.6870G>A, p.Lys2290= (NM_001079823.2); c.6870G>A (NM_000426.3).
Identifiers: ClinVar variation 1578480 (VCV001578480.10), dbSNP rs748561685, ClinGen allele CA3994387.